The following is an entry in ClinVar:

NM_001330260.2(SCN8A):c.4934T>G (p.Met1645Arg)

Gene: SCN8A (sodium voltage-gated channel alpha subunit 8; plus strand). Cytogenetic location: 12q13.13.
Variant type: single nucleotide variant.
Coding change: c.4934T>G on transcript NM_001330260.2 (MANE Select); coding-DNA position 4934, T replaced by G.
Protein change: p.Met1645Arg; replaces methionine 1645 with arginine.
Molecular consequence: missense variant.
Genome position (GRCh38, 1-based): chr12:51,806,420, T>G. VCF-style: chr12-51806420-T-G. GRCh37 (hg19) VCF-style: chr12-52200204-T-G.
Other names: c.4811T>G, p.Met1604Arg (NM_001177984.3, NM_001369788.1); c.4934T>G, p.Met1645Arg (NM_014191.4); short protein forms M1604R, M1645R.
Identifiers: ClinVar variation 2001117 (VCV002001117.4), dbSNP rs2540333855, ClinGen allele CA384880577.

ClinVar aggregate classification (germline): Pathogenic (1 of 4 stars; one submission).

Conditions:
Early-infantile DEE. Also called: Early infantile epileptic encephalopathy; Ohtahara syndrome; Early infantile epileptic encephalopathy with suppression bursts. Identifiers: Orphanet 1934, MedGen C0393706, MONDO:0800491.

Submission:

Labcorp Genetics (formerly Invitae), Labcorp
Classification: Pathogenic for Early-infantile DEE. Last evaluated: 2022-07-17. Review status: criteria provided, single submitter. Criteria: Invitae Variant Classification Sherloc (09022015). Collection method: clinical testing. Allele origin: germline.
Comment: This missense change has been observed in individual(s) with SCN8A-related conditions (Invitae). In at least one individual the variant was observed to be de novo. Algorithms developed to predict the effect of missense changes on protein structure and function are either unavailable or do not agree on the potential impact of this missense change (SIFT: "Deleterious"; PolyPhen-2: "Probably Damaging"; Align-GVGD: "Class C0"). This variant disrupts the p.Met1645 amino acid residue in SCN8A. Other variant(s) that disrupt this residue have been determined to be pathogenic (PMID: 26544041, 33827760; Invitae). This suggests that this residue is clinically significant, and that variants that disrupt this residue are likely to be disease-causing. For these reasons, this variant has been classified as Pathogenic. This sequence change replaces methionine, which is neutral and non-polar, with arginine, which is basic and polar, at codon 1645 of the SCN8A protein (p.Met1645Arg). This variant is not present in population databases (gnomAD no frequency).

Literature cited by the submitters: PubMed 26544041; PubMed 33827760.